The following is an entry in ClinVar:

ClinVar aggregate classification (germline): Likely pathogenic (1 of 4 stars; one submission).

Conditions:
Primary ciliary dyskinesia 3. Identifiers: Orphanet 244, MedGen C1837618, MONDO:0012085, OMIM 608644.

Submission:

Myriad Genetics, Inc.
Classification: Likely pathogenic for Primary ciliary dyskinesia 3. Last evaluated: 2022-03-03. Review status: criteria provided, single submitter. Criteria: Myriad Women's Health Autosomal Recessive and X-Linked Classification Criteria (2021). Collection method: clinical testing. Allele origin: unknown.
Comment: NM_001369.2(DNAH5):c.8993T>A(L2998*) is expected to be pathogenic in the context of DNAH5-related primary ciliary dyskinesia. This variant is predicted to lead to an abnormal or absent protein product due to the creation of a premature termination codon in DNAH5, a gene where loss-of-function variants are known to be pathogenic. Please note: this variant was assessed in the context of healthy population screening.

NM_001369.3(DNAH5):c.8993T>A (p.Leu2998Ter)

Gene: DNAH5 (dynein axonemal heavy chain 5; minus strand). Cytogenetic location: 5p15.2.
Variant type: single nucleotide variant.
Coding change: c.8993T>A on transcript NM_001369.3 (MANE Select); coding-DNA position 8993, T replaced by A.
Protein change: p.Leu2998Ter; replaces leucine 2998 with a stop codon.
Molecular consequence: nonsense.
Genome position (GRCh38, 1-based): chr5:13,777,314, A>T on the plus strand (T>A on the coding strand, the complement: DNAH5 is on the minus strand). VCF-style: chr5-13777314-A-T. GRCh37 (hg19) VCF-style: chr5-13777423-A-T.
Other names: short protein forms L2998*.
Identifiers: ClinVar variation 1724965 (VCV001724965.2), dbSNP rs2546682451, ClinGen allele CA359211187.